The following is an entry in ClinVar:

ClinVar aggregate classification (germline): Likely benign (1 of 4 stars; one submission).

Allele frequency attached by ClinVar (database versions not stated): TOPMed 0.00001.

Submission:

CeGaT Center for Human Genetics Tuebingen
Classification: Likely benign. Last evaluated: 2022-10-01. Review status: criteria provided, single submitter. Criteria: CeGaT Center For Human Genetics Tuebingen Variant Classification Criteria Version 2. Collection method: clinical testing. Allele origin: germline. Affected: yes. Observed: 1 variant allele.
Comment: NBEA: BP4, BP7

NM_001385012.1(NBEA):c.6027A>G (p.Gln2009=)

Gene: NBEA (neurobeachin; plus strand). Cytogenetic location: 13q13.3.
Variant type: single nucleotide variant.
Coding change: c.6027A>G on transcript NM_001385012.1 (MANE Select); coding-DNA position 6027, A replaced by G.
Protein change: p.Gln2009=; no amino-acid change (glutamine 2009 retained).
Molecular consequence: synonymous variant.
Genome position (GRCh38, 1-based): chr13:35,352,171, A>G. VCF-style: chr13-35352171-A-G. GRCh37 (hg19) VCF-style: chr13-35926308-A-G.
Other names: c.6027A>G, p.Gln2009= (NM_015678.5); c.6018A>G, p.Gln2006= (NM_001379245.1).
Identifiers: ClinVar variation 2643757 (VCV002643757.24), dbSNP rs887194299, ClinGen allele CA248229856.